The following is an entry in ClinVar:

ClinVar aggregate classification (germline): Uncertain significance (1 of 4 stars; one submission).

Allele frequency attached by ClinVar (database versions not stated): gnomAD exomes 0.00001; gnomAD 0.00003; ExAC 0.00007; TOPMed 0.00008.
gnomAD v4.1: 18 of 1,613,936 alleles (0.0011%); highest among the groups gnomAD compares: East Asian, 0.036%; no homozygotes.

Submission:

Labcorp Genetics (formerly Invitae), Labcorp
Classification: Uncertain significance. Last evaluated: 2024-11-18. Review status: criteria provided, single submitter. Criteria: Invitae Variant Classification Sherloc (09022015). Collection method: clinical testing. Allele origin: germline.
Comment: This sequence change replaces cysteine, which is neutral and slightly polar, with serine, which is neutral and polar, at codon 2150 of the RTTN protein (p.Cys2150Ser). This variant is present in population databases (rs764353493, gnomAD 0.1%). This variant has not been reported in the literature in individuals affected with RTTN-related conditions. ClinVar contains an entry for this variant (Variation ID: 2155358). Invitae Evidence Modeling of protein sequence and biophysical properties (such as structural, functional, and spatial information, amino acid conservation, physicochemical variation, residue mobility, and thermodynamic stability) indicates that this missense variant is not expected to disrupt RTTN protein function with a negative predictive value of 80%. In summary, the available evidence is currently insufficient to determine the role of this variant in disease. Therefore, it has been classified as a Variant of Uncertain Significance.

NM_173630.4(RTTN):c.6448T>A (p.Cys2150Ser)

Gene: RTTN (rotatin; minus strand). Cytogenetic location: 18q22.2.
Variant type: single nucleotide variant.
Coding change: c.6448T>A on transcript NM_173630.4 (MANE Select); coding-DNA position 6448, T replaced by A.
Protein change: p.Cys2150Ser; replaces cysteine 2150 with serine.
Molecular consequence: missense variant.
Genome position (GRCh38, 1-based): chr18:70,006,458, A>T on the plus strand (T>A on the coding strand, the complement: RTTN is on the minus strand). VCF-style: chr18-70006458-A-T. GRCh37 (hg19) VCF-style: chr18-67673694-A-T.
Other names: c.3712T>A, p.Cys1238Ser (NM_001318520.2); short protein forms C2150S, C1238S.
Identifiers: ClinVar variation 2155358 (VCV002155358.3), dbSNP rs764353493, ClinGen allele CA8994654.